The following is an entry in ClinVar:

NM_001330691.3(CEP78):c.71C>T (p.Ala24Val)

Gene: CEP78 (centrosomal protein 78; plus strand). Cytogenetic location: 9q21.2.
Variant type: single nucleotide variant.
Coding change: c.71C>T on transcript NM_001330691.3 (MANE Select); coding-DNA position 71, C replaced by T.
Protein change: p.Ala24Val; replaces alanine 24 with valine.
Molecular consequence: missense variant.
Genome position (GRCh38, 1-based): chr9:78,236,421, C>T. VCF-style: chr9-78236421-C-T. GRCh37 (hg19) VCF-style: chr9-80851337-C-T.
Other names: c.71C>T, p.Ala24Val (NM_001098802.3, NM_001330693.3, NM_001330694.2 and 4 more transcripts); short protein forms A24V.
Identifiers: ClinVar variation 1507021 (VCV001507021.5), dbSNP rs1370536487, ClinGen allele CA373999211.

ClinVar aggregate classification (germline): Uncertain significance (1 of 4 stars; one submission).

Allele frequency attached by ClinVar (database versions not stated): gnomAD exomes below 0.00001.
gnomAD v4.1: 1 of 1,601,022 alleles (0.000062%); highest among the groups gnomAD compares: Non-Finnish European, 0.000085%; no homozygotes.

Submission:

Labcorp Genetics (formerly Invitae), Labcorp
Classification: Uncertain significance. Last evaluated: 2022-08-16. Review status: criteria provided, single submitter. Criteria: Invitae Variant Classification Sherloc (09022015). Collection method: clinical testing. Allele origin: germline.
Comment: This sequence change replaces alanine, which is neutral and non-polar, with valine, which is neutral and non-polar, at codon 24 of the CEP78 protein (p.Ala24Val). This variant is not present in population databases (gnomAD no frequency). This variant has not been reported in the literature in individuals affected with CEP78-related conditions. ClinVar contains an entry for this variant (Variation ID: 1507021). Algorithms developed to predict the effect of missense changes on protein structure and function are either unavailable or do not agree on the potential impact of this missense change (SIFT: "Tolerated"; PolyPhen-2: "Probably Damaging"; Align-GVGD: "Class C0"). In summary, the available evidence is currently insufficient to determine the role of this variant in disease. Therefore, it has been classified as a Variant of Uncertain Significance.